The following is an entry in ClinVar:

NM_000747.3(CHRNB1):c.919del (p.Ile307fs)

Gene: CHRNB1 (cholinergic receptor nicotinic beta 1 subunit; plus strand). Cytogenetic location: 17p13.1.
Variant type: Deletion.
Coding change: c.919del on transcript NM_000747.3 (MANE Select); coding-DNA position 919, one base deleted (A; older notation c.919delA).
Protein change: p.Ile307fs; shifts the reading frame from isoleucine 307.
Molecular consequence: frameshift variant.
Genome position (GRCh38, 1-based): chr17:7,454,395, A deleted. VCF-style (leftmost placement, unchanged base first): chr17-7454394-CA-C. GRCh37 (hg19) VCF-style: chr17-7357713-CA-C.
Other names: short protein forms I307fs.
Identifiers: ClinVar variation 280253 (VCV000280253.2), dbSNP rs886041490, ClinGen allele CA10603603.
Genomic context (GRCh38, chr17:7,454,394, plus strand): 5'-CCTTACTGTGTTCCTGCTGCTGCTGGCTGACAAAGTACCTGAGACCTCACTATCAGTACC[CA>C]TTATTATCAAGTACCTCATGTTTACCATGGTCCTCGTCACCTTCTCAGTCATCCTTAGTG-3'

ClinVar aggregate classification (germline): Pathogenic (1 of 4 stars; one submission).

Submission:

GeneDx
Classification: Pathogenic. Last evaluated: 2016-11-01. Review status: criteria provided, single submitter. Criteria: GeneDx Variant Classification (06012015). Collection method: clinical testing. Allele origin: germline. Affected: yes.
Comment: The c.919delA variant in the CHRNB1 gene has not been reported previously as a pathogenic variant nor as a benign variant, to our knowledge. This variant causes a frameshift starting with codon Isoleucine 307, changes this amino acid to a Leucine residue, and creates a premature Stop codon at position 54 of the new reading frame, denoted p.Ile307LeufsX54. This variant is predicted to cause loss of normal protein function either through protein truncation or nonsense-mediated mRNA decay. The c.919delA variant was not observed in approximately 6500 individuals of European and African American ancestry in the NHLBI Exome Sequencing Project, indicating it is not a common benign variant in these populations. We interpret c.919delA as a pathogenic variant.